The following is an entry in ClinVar:

NM_032447.5(FBN3):c.6832G>C (p.Asp2278His)

Gene: FBN3 (fibrillin 3; minus strand). Cytogenetic location: 19p13.2.
Variant type: single nucleotide variant.
Coding change: c.6832G>C on transcript NM_032447.5 (MANE Select); coding-DNA position 6832, G replaced by C.
Protein change: p.Asp2278His; replaces aspartic acid 2278 with histidine.
Molecular consequence: missense variant.
Genome position (GRCh38, 1-based): chr19:8,086,248, C>G on the plus strand (G>C on the coding strand, the complement: FBN3 is on the minus strand). VCF-style: chr19-8086248-C-G. GRCh37 (hg19) VCF-style: chr19-8151132-C-G.
Other names: c.6832G>C, p.Asp2278His (NM_001321431.2); c.6832G>C (NM_001321431.1); short protein forms D2278H.
Identifiers: ClinVar variation 789905 (VCV000789905.36), dbSNP rs144887983, ClinGen allele CA9151097.

ClinVar aggregate classification (germline): Benign/Likely benign. Review status: criteria provided, multiple submitters, no conflicts (2 of 4 stars). 5 submissions from 5 submitters: Benign (2); Likely benign (2). 1 of the submissions does not count toward it. Last evaluated 2026-02-03.

Conditions:
FBN3-related disorder. Also called: FBN3-related condition.

Allele frequency attached by ClinVar (database versions not stated): 1000 Genomes Project 0.00519; 1000 Genomes Project 30x 0.00547; TOPMed 0.00635; ESP Exome Variant Server 0.00800.
gnomAD v4.1: 13,910 of 1,610,744 alleles (0.86%); highest among the groups gnomAD compares: Non-Finnish European, 0.98%; 72 homozygotes.

Submissions (5):

Labcorp Genetics (formerly Invitae), Labcorp
Classification: Benign. Last evaluated: 2026-02-03. Review status: criteria provided, single submitter. Criteria: Invitae Variant Classification Sherloc (09022015). Collection method: clinical testing. Allele origin: germline.

Genomic Medicine Center of Excellence, King Faisal Specialist Hospital and Research Centre
Classification: Likely benign. Last evaluated: 2025-08-18. Review status: criteria provided, single submitter. Criteria: ACMG Guidelines, 2015. Collection method: clinical testing. Allele origin: germline.

CeGaT Center for Human Genetics Tuebingen
Classification: Likely benign. Last evaluated: 2024-08-01. Review status: criteria provided, single submitter. Criteria: CeGaT Center For Human Genetics Tuebingen Variant Classification Criteria Version 2. Collection method: clinical testing. Allele origin: germline. Affected: yes. Observed: 2 variant alleles.
Comment: FBN3: BS2

Breakthrough Genomics
Classification: Benign. Review status: criteria provided, single submitter. Criteria: ACMG Guidelines, 2015. Collection method: not provided. Allele origin: germline. Inheritance: Unknown mechanism. Affected: yes.

PreventionGenetics, part of Exact Sciences
Classification: Benign for FBN3-related condition. Last evaluated: 2019-03-27. Review status: no assertion criteria provided. Collection method: clinical testing. Allele origin: germline. Not counted in ClinVar's aggregate classification.
Comment: This variant is classified as benign based on ACMG/AMP sequence variant interpretation guidelines (Richards et al. 2015 PMID: 25741868, with internal and published modifications).